The following is an entry in ClinVar:

NM_194248.3(OTOF):c.4596del (p.Asn1531_Tyr1532insTer)

Gene: OTOF (otoferlin; minus strand). Cytogenetic location: 2p23.3.
Variant type: Deletion.
Coding change: c.4596del on transcript NM_194248.3 (MANE Select); coding-DNA position 4596, one base deleted (C; older notation c.4596delC).
Protein change: p.Asn1531_Tyr1532insTer.
Molecular consequence: nonsense.
Genome position (GRCh38, 1-based): chr2:26,465,981, G deleted on the plus strand (C on the coding strand, the reverse complement: OTOF is on the minus strand). VCF-style (leftmost placement, unchanged base first): chr2-26465980-TG-T. GRCh37 (hg19) VCF-style: chr2-26688848-TG-T.
Other names: c.4596del, p.Asn1531_Tyr1532insTer (NM_001287489.2); c.2295del, p.Asn764_Tyr765insTer (NM_004802.4, NM_194323.3); c.2526del, p.Asn841_Tyr842insTer (NM_194322.3).
Identifiers: ClinVar variation 2840952 (VCV002840952.3), dbSNP rs1664708676, ClinGen allele CA1239816888.

ClinVar aggregate classification (germline): Pathogenic (1 of 4 stars; one submission).

Allele frequency attached by ClinVar (database versions not stated): gnomAD exomes below 0.00001; TOPMed below 0.00001.

Submission:

Labcorp Genetics (formerly Invitae), Labcorp
Classification: Pathogenic. Last evaluated: 2023-02-26. Review status: criteria provided, single submitter. Criteria: Invitae Variant Classification Sherloc (09022015). Collection method: clinical testing. Allele origin: germline.
Comment: This sequence change creates a premature translational stop signal (p.Tyr1532*) in the OTOF gene. It is expected to result in an absent or disrupted protein product. Loss-of-function variants in OTOF are known to be pathogenic (PMID: 18381613, 19250381, 22575033). For these reasons, this variant has been classified as Pathogenic. This variant has not been reported in the literature in individuals affected with OTOF-related conditions. This variant is not present in population databases (gnomAD no frequency).

Literature cited by the submitters: PubMed 18381613; PubMed 19250381; PubMed 22575033.